The following is an entry in ClinVar:

ClinVar aggregate classification (germline): Uncertain significance (1 of 4 stars; one submission).

Conditions:
Cardiovascular phenotype. Identifiers: MedGen CN230736.

gnomAD v4.1: 14 of 1,613,634 alleles (0.00087%); highest among the groups gnomAD compares: Non-Finnish European, 0.001%; no homozygotes.

Submission:

Ambry Genetics
Classification: Uncertain significance for Cardiovascular phenotype. Last evaluated: 2024-06-24. Review status: criteria provided, single submitter. Criteria: Ambry Variant Classification Scheme 2023. Collection method: clinical testing. Allele origin: germline.
Comment: The c.-5G>A variant is located in the 5' untranslated region (5&rsquo; UTR) of the CALM2 gene. This variant results from a G to A substitution 5 bases upstream from the first translated codon. This nucleotide position is highly conserved in available vertebrate species. Based on the available evidence, the clinical significance of this variant remains unclear.

NM_001743.6(CALM2):c.-5G>A

Gene: CALM2 (calmodulin 2; minus strand). Cytogenetic location: 2p21.
Variant type: single nucleotide variant.
Coding change: c.-5G>A on transcript NM_001743.6 (MANE Select); 5 bases upstream of the start codon, G replaced by A.
Molecular consequence: 5 prime UTR variant. On other transcripts: missense variant (1), intron variant (1).
Genome position (GRCh38, 1-based): chr2:47,176,448, C>T on the plus strand (G>A on the coding strand, the complement: CALM2 is on the minus strand). VCF-style: chr2-47176448-C-T. GRCh37 (hg19) VCF-style: chr2-47403587-C-T.
Other names: c.94G>A, p.Ala32Thr (NM_001305624.1); c.-106+401G>A (NM_001305625.2); short protein forms A32T.
Identifiers: ClinVar variation 3262984 (VCV003262984.1).